The following is an entry in ClinVar:

ClinVar aggregate classification (germline): Uncertain significance (1 of 4 stars; one submission).

Allele frequency attached by ClinVar (database versions not stated): TOPMed below 0.00001; gnomAD exomes 0.00001; ExAC 0.00002.
gnomAD v4.1: 6 of 1,614,094 alleles (0.00037%); highest among the groups gnomAD compares: Admixed American, 0.01%; no homozygotes.

Submission:

Labcorp Genetics (formerly Invitae), Labcorp
Classification: Uncertain significance. Last evaluated: 2022-05-26. Review status: criteria provided, single submitter. Criteria: Invitae Variant Classification Sherloc (09022015). Collection method: clinical testing. Allele origin: germline.
Comment: In summary, the available evidence is currently insufficient to determine the role of this variant in disease. Therefore, it has been classified as a Variant of Uncertain Significance. Algorithms developed to predict the effect of missense changes on protein structure and function (SIFT, PolyPhen-2, Align-GVGD) all suggest that this variant is likely to be tolerated. This variant has not been reported in the literature in individuals affected with TSPAN12-related conditions. This variant is present in population databases (rs764925169, gnomAD 0.02%). This sequence change replaces histidine, which is basic and polar, with glutamine, which is neutral and polar, at codon 299 of the TSPAN12 protein (p.His299Gln).

NM_012338.4(TSPAN12):c.897C>A (p.His299Gln)

Gene: TSPAN12 (tetraspanin 12; minus strand). Cytogenetic location: 7q31.31.
Variant type: single nucleotide variant.
Coding change: c.897C>A on transcript NM_012338.4 (MANE Select); coding-DNA position 897, C replaced by A.
Protein change: p.His299Gln; replaces histidine 299 with glutamine.
Molecular consequence: missense variant.
Genome position (GRCh38, 1-based): chr7:120,788,613, G>T on the plus strand (C>A on the coding strand, the complement: TSPAN12 is on the minus strand). VCF-style: chr7-120788613-G-T. GRCh37 (hg19) VCF-style: chr7-120428667-G-T.
Other names: short protein forms H299Q.
Identifiers: ClinVar variation 1900673 (VCV001900673.5), dbSNP rs764925169, ClinGen allele CA4453780.